The following is an entry in ClinVar:

NC_000007.13:g.(?_151372486)_(151372743_?)dup

Gene: PRKAG2 (protein kinase AMP-activated non-catalytic subunit gamma 2; minus strand). Cytogenetic location: 7q36.1.
Variant type: Duplication.
Identifiers: ClinVar variation 2426278 (VCV002426278.4).

ClinVar aggregate classification (germline): Uncertain significance (1 of 4 stars; one submission).

Conditions:
Lethal congenital glycogen storage disease of heart. Also called: PHOSPHORYLASE KINASE DEFICIENCY OF HEART; GLYCOGEN STORAGE DISEASE OF HEART. Identifiers: Orphanet 439854, MedGen C1849813, MONDO:0009867, OMIM 261740.

Submission:

Labcorp Genetics (formerly Invitae), Labcorp
Classification: Uncertain significance for Lethal congenital glycogen storage disease of heart. Last evaluated: 2022-03-21. Review status: criteria provided, single submitter. Criteria: Invitae Variant Classification Sherloc (09022015). Collection method: clinical testing. Allele origin: germline.
Comment: In summary, the available evidence is currently insufficient to determine the role of this variant in disease. Therefore, it has been classified as a Variant of Uncertain Significance. This variant has not been reported in the literature in individuals affected with PRKAG2-related conditions. This variant results in a copy number gain of the genomic region encompassing exon(s) 4 of the PRKAG2 gene. While the exact position of this variant cannot be determined from the data, sub-genic copy number gains are generally in tandem (PMID: 25640679). This variant is predicted to be out-of-frame, and may result in an absent or disrupted protein product. However, the current clinical and genetic evidence is not sufficient to establish whether loss-of-function variants in PRKAG2 cause disease.

Literature cited by the submitters: PubMed 25640679.